The following is an entry in ClinVar:

NM_000543.5(SMPD1):c.1492C>T (p.Arg498Cys)

Gene: SMPD1 (sphingomyelin phosphodiesterase 1; plus strand). Cytogenetic location: 11p15.4.
Variant type: single nucleotide variant.
Coding change: c.1492C>T on transcript NM_000543.5 (MANE Select); coding-DNA position 1492, C replaced by T.
Protein change: p.Arg498Cys; replaces arginine 498 with cysteine.
Molecular consequence: missense variant. On other transcripts: synonymous variant (1), non-coding transcript variant (2).
Genome position (GRCh38, 1-based): chr11:6,394,203, C>T. VCF-style: chr11-6394203-C-T. GRCh37 (hg19) VCF-style: chr11-6415433-C-T.
Other names: c.1489C>T, p.Arg497Cys (NM_001007593.3); c.1512C>T, p.Thr504= (NM_001318087.2); c.571C>T, p.Arg191Cys (NM_001318088.2); c.1360C>T, p.Arg454Cys (NM_001365135.2); short protein forms R498C, R191C, R454C, R497C.
Identifiers: ClinVar variation 198095 (VCV000198095.27), dbSNP rs769904764, ClinGen allele CA275340.
Genomic context (GRCh38, chr11:6,394,203, plus strand): 5'-CTCCCTGGAGTTACCCTTGCTCCTTGCCCCTCCAGTCAGCCCCACATCCTTGCAGGTTAC[C>T]GTGTGTACCAAATAGATGGAAACTACTCCGGGAGCTCTCACGTGGTCCTGGACCATGAGA-3'
Protein context (NP_000534.3, residues 488-508): TTYIGLNPGY[Arg498Cys]VYQIDGNYSG

ClinVar aggregate classification (germline): Pathogenic/Likely pathogenic. Review status: criteria provided, multiple submitters, no conflicts (2 of 4 stars). 9 submissions from 9 submitters: Pathogenic (2); Likely pathogenic (6). 1 of the submissions does not count toward it. Last evaluated 2025-10-23.

Conditions:
SMPD1-related disorder. Also called: SMPD1-related condition.
Niemann-Pick disease, type B. Also called: Chronic Visceral ASMD (Niemann-Pick Disease Type B; NPD-B). Identifiers: Orphanet 77293, MedGen C0268243, MONDO:0011871, OMIM 607616. Disease mechanism: loss of function.
Niemann-Pick disease, type A. Also called: Infantile Neurovisceral ASMD (Niemann-Pick Disease Type A; NPD-A); SPHINGOMYELIN LIPIDOSIS; SPHINGOMYELINASE DEFICIENCY. Identifiers: Orphanet 77292, MedGen C0268242, MONDO:0009756, OMIM 257200. Disease mechanism: loss of function.
Sphingomyelin/cholesterol lipidosis. Also called: Niemann-Pick disease. Identifiers: MedGen C0028064, MONDO:0001982.

Allele frequency attached by ClinVar (database versions not stated): gnomAD exomes 0.00001; TOPMed 0.00001; ExAC 0.00002; gnomAD 0.00002.

Submissions (9):

PreventionGenetics, part of Exact Sciences
Classification: Likely pathogenic for SMPD1-related condition. Last evaluated: 2025-10-23. Review status: criteria provided, single submitter. Criteria: ACMG Guidelines, 2015. Collection method: clinical testing. Allele origin: germline.
Comment: The SMPD1 c.1492C>T variant is predicted to result in the amino acid substitution p.Arg498Cys. This variant has been reported in the compound heterozygous state in at least one individual with Niemann-Pick disease (reported as R496C in Simonaro et al. 2002. PubMed ID: 12369017; Zhang et al. 2013. PubMed ID: 23356216; Hu et al. 2021. PubMed ID: 33675270). This variant is reported in 0.0033% of alleles in individuals of South Asian descent in gnomAD. This variant is interpreted as likely pathogenic.

Natera, Inc.
Classification: Likely pathogenic for Niemann-Pick Disease, Types A/B. Last evaluated: 2025-07-17. Review status: criteria provided, single submitter. Criteria: Natera Variant Classification Schema (03/2026). Collection method: clinical testing. Allele origin: germline.
Comment: The c.1492C>T variant in SMPD1 is a missense variant predicted to cause substitution of arginine to cysteine at amino acid 498. This variant is rare in the general population with a frequency below the threshold expected for the associated phenotype(s). This variant has been observed in one or more individuals affected with the associated recessive disease, as either homozygous or compound heterozygous with a second variant (PMID: 38730490, 34273913, 25834946). A different variant at the same position has been determined to be Pathogenic or Likely Pathogenic. Computational prediction algorithms indicate this variant is likely to affect gene or protein function. Given the available evidence, this variant is classified as Likely Pathogenic.

Baylor Genetics
Classification: Pathogenic for Niemann-Pick disease, type A. Last evaluated: 2024-03-18. Review status: criteria provided, single submitter. Criteria: ACMG Guidelines, 2015. Collection method: clinical testing. Allele origin: unknown.

Labcorp Genetics (formerly Invitae), Labcorp
Classification: Pathogenic for Niemann-Pick disease, type B; Niemann-Pick disease, type A. Last evaluated: 2023-10-16. Review status: criteria provided, single submitter. Criteria: Invitae Variant Classification Sherloc (09022015). Collection method: clinical testing. Allele origin: germline.
Comment: This sequence change replaces arginine, which is basic and polar, with cysteine, which is neutral and slightly polar, at codon 498 of the SMPD1 protein (p.Arg498Cys). This variant is present in population databases (rs769904764, gnomAD 0.003%). This missense change has been observed in individual(s) with clinical features of Niemann-Pick disease (PMID: 12369017, 23356216; Invitae). In at least one individual the data is consistent with being in trans (on the opposite chromosome) from a pathogenic variant. ClinVar contains an entry for this variant (Variation ID: 198095). Advanced modeling of protein sequence and biophysical properties (such as structural, functional, and spatial information, amino acid conservation, physicochemical variation, residue mobility, and thermodynamic stability) performed at Invitae indicates that this missense variant is expected to disrupt SMPD1 protein function. This variant disrupts the p.Arg498 amino acid residue in SMPD1. Other variant(s) that disrupt this residue have been determined to be pathogenic (PMID: 1391960, 1885770, 2023926, 18815062). This suggests that this residue is clinically significant, and that variants that disrupt this residue are likely to be disease-causing. For these reasons, this variant has been classified as Pathogenic.

Revvity Omics, Revvity
Classification: Likely pathogenic. Last evaluated: 2022-01-11. Review status: criteria provided, single submitter. Criteria: ACMG Guidelines, 2015. Collection method: clinical testing. Allele origin: germline.

Diagnostics Division, CENTRE FOR DNA FINGERPRINTING AND DIAGNOSTICS
Classification: Likely pathogenic for Niemann-Pick disease, type A. Last evaluated: 2021-04-25. Review status: criteria provided, single submitter. Criteria: ACMG Guidelines, 2015. Collection method: research. Allele origin: germline. Affected: yes. Observed: 1 variant allele.

Broad Center for Mendelian Genomics, Broad Institute of MIT and Harvard
Classification: Likely pathogenic for Sphingomyelin/cholesterol lipidosis. Last evaluated: 2020-01-22. Review status: criteria provided, single submitter. Criteria: ACMG Guidelines, 2015. Collection method: curation. Allele origin: germline. Inheritance: Autosomal recessive inheritance.
Comment: The p.Arg498Cys variant in SMPD1 (also known as p.Arg496Cys due to a difference in cDNA numbering) has been reported in at least 3 individuals with Niemann-Pick disease (PMID: 17011332, 25834946, 23356216) and has been identified in 0.003% (1/30612) of South Asian chromosomes and 0.002% (3/128792) of European (non-Finnish) chromosomes by the Genome Aggregation Database (gnomAD; dbSNP rs769904764). Although this variant has been seen in the general population, its frequency is low enough to be consistent with a recessive carrier frequency. This variant has also been reported in ClinVar (VariationID: 198095) as likely pathogenic by EGL Genetic Diagnostics, Counsyl, and Invitae. Computational prediction tools and conservation analyses suggest that this variant may impact the protein, though this information is not predictive enough to determine pathogenicity. The presence of this variant in combination with reported pathogenic variants in 2 individuals with Niemann-Pick disease increases the likelihood that the p.Arg498Cys variant is pathogenic (VariationID: 198095, 25834946; PMID: 17011332, 25834946). The phenotype of an individual homozygous for this variant is highly specific for Niemann-Pick disease based on acid sphingomyelinase activity being <10% of normal, consistent with disease (PMID: 23356216). Multiple variants in the same region as p.Arg498Cys have been reported in association with disease in ClinVar and the literature and the variant is located in a region of SMPD1 that is essential to protein folding and stability, suggesting that this variant is in a hot spot and functional domain and supports pathogenicity (VariationID: 2991, 198095; PMID: 18815062, 27725636; DOI: 10.1111/febs.13655). Two additional pathogenic and likely pathogenic variants, resulting in a different amino acid change at the same position, p.Arg498Leu and p.Arg498His, have been reported in association with disease in the literature and ClinVar, supporting that a change at this position may not be tolerated (VariationID: 2980, 167712; PMID: 29995201, 18815062, 15221801, 27338287, 26499107, 27725636). In summary, although additional studies are required to fully establish its clinical significance, this variant is likely pathogenic. ACMG/AMP Criteria applied: PM2, PM5, PM1, PM3, PP3, PP4 (Richards 2015).

Eurofins Ntd Llc (ga)
Classification: Likely pathogenic. Last evaluated: 2014-06-26. Review status: criteria provided, single submitter. Criteria: EGL Classification Definitions 2015. Collection method: clinical testing. Allele origin: germline. Observed: 1 variant allele, 1 heterozygote.

Counsyl
Classification: Likely pathogenic for Niemann-Pick disease, type A. Last evaluated: 2018-05-09. Review status: no assertion criteria provided. Collection method: clinical testing. Allele origin: unknown. Not counted in ClinVar's aggregate classification.

Literature cited by the submitters: PubMed 38730490 (cited by Natera, Inc.); PubMed 34273913 (cited by Natera, Inc.); PubMed 25834946 (cited by 3 submitters); PubMed 12369017 (cited by Labcorp Genetics (formerly Invitae), Labcorp); PubMed 23356216 (cited by 3 submitters); PubMed 1391960 (cited by Labcorp Genetics (formerly Invitae), Labcorp); PubMed 1885770 (cited by Labcorp Genetics (formerly Invitae), Labcorp); PubMed 2023926 (cited by Labcorp Genetics (formerly Invitae), Labcorp); PubMed 18815062 (cited by Labcorp Genetics (formerly Invitae), Labcorp and Broad Center for Mendelian Genomics, Broad Institute of MIT and Harvard); PubMed 17011332 (cited by Broad Center for Mendelian Genomics, Broad Institute of MIT and Harvard and Counsyl); PubMed 27725636 (cited by Broad Center for Mendelian Genomics, Broad Institute of MIT and Harvard).